The following is an entry in ClinVar:

ClinVar aggregate classification (germline): Likely benign. Review status: criteria provided, multiple submitters, no conflicts (2 of 4 stars). 3 submissions from 3 submitters: Likely benign (3). Last evaluated 2025-07-01.

Conditions:
Xeroderma pigmentosum, group F (XPF). Also called: XERODERMA PIGMENTOSUM, COMPLEMENTATION GROUP F; XERODERMA PIGMENTOSUM VI; XP, GROUP F; ERCC4-Related Xeroderma Pigmentosum; XERODERMA PIGMENTOSUM, TYPE F; Xeroderma pigmentosum, type 6. Identifiers: MedGen C0268140, MONDO:0010215, OMIM 278760.
Cockayne syndrome. Identifiers: Orphanet 191, MedGen C0009207, MONDO:0016006.
Fanconi anemia complementation group Q. Identifiers: Orphanet 84, MedGen C3808988, MONDO:0014108, OMIM 615272.

Allele frequency attached by ClinVar (database versions not stated): gnomAD 0.00001; gnomAD exomes 0.00001; TOPMed 0.00003.
gnomAD v4.1: 18 of 1,613,530 alleles (0.0011%); highest among the groups gnomAD compares: Non-Finnish European, 0.0015%; no homozygotes.

Submissions (3):

CeGaT Center for Human Genetics Tuebingen
Classification: Likely benign. Last evaluated: 2025-07-01. Review status: criteria provided, single submitter. Criteria: CeGaT Center For Human Genetics Tuebingen Variant Classification Criteria Version 2. Collection method: clinical testing. Allele origin: germline. Affected: yes. Observed: 1 variant allele.
Comment: ERCC4: BP4, BP7

Labcorp Genetics (formerly Invitae), Labcorp
Classification: Likely benign for Fanconi anemia complementation group Q; Xeroderma pigmentosum, group F; Cockayne syndrome. Last evaluated: 2024-04-08. Review status: criteria provided, single submitter. Criteria: Invitae Variant Classification Sherloc (09022015). Collection method: clinical testing. Allele origin: germline.

Genetic Services Laboratory, University of Chicago
Classification: Likely benign. Last evaluated: 2020-12-08. Review status: criteria provided, single submitter. Criteria: ACMG Guidelines, 2015. Collection method: clinical testing. Allele origin: germline. Affected: no.

NM_005236.3(ERCC4):c.718C>T (p.Leu240=)

Gene: ERCC4 (ERCC excision repair 4, endonuclease catalytic subunit; plus strand). Cytogenetic location: 16p13.12.
Variant type: single nucleotide variant.
Coding change: c.718C>T on transcript NM_005236.3 (MANE Select); coding-DNA position 718, C replaced by T.
Protein change: p.Leu240=; no amino-acid change (leucine 240 retained).
Molecular consequence: synonymous variant.
Genome position (GRCh38, 1-based): chr16:13,928,161, C>T. VCF-style: chr16-13928161-C-T. GRCh37 (hg19) VCF-style: chr16-14022018-C-T.
Identifiers: ClinVar variation 415026 (VCV000415026.23), dbSNP rs746904084, ClinGen allele CA16614571.